The following is an entry in ClinVar:

ClinVar aggregate classification (germline): Pathogenic (1 of 4 stars; one submission).

Conditions:
Wilms tumor 1 (WT1). Also called: Wilms tumor, somatic. Identifiers: Orphanet 654, MedGen CN033288, MONDO:0008679, OMIM 194070.

Submission:

Labcorp Genetics (formerly Invitae), Labcorp
Classification: Pathogenic for Wilms tumor 1. Last evaluated: 2017-03-13. Review status: criteria provided, single submitter. Criteria: Invitae Variant Classification Sherloc (09022015). Collection method: clinical testing. Allele origin: germline.
Comment: For these reasons, this variant has been classified as Pathogenic. While this particular variant has not been reported in the literature, loss-of-function variants in GPC3 are known to be pathogenic (PMID: 10814714, 17603795). This sequence change deletes 26 nucleotides and inserts 6 nucleotides in exon 3 of the GPC3 mRNA (c.629_654delinsCTTGCA), causing a frameshift at codon 210. This creates a premature translational stop signal (p.Asn210Thrfs*11) and is expected to result in an absent or disrupted protein product.

Literature cited by the submitters: PubMed 10814714; PubMed 17603795.

NM_004484.4(GPC3):c.629_654delinsCTTGCA (p.Asn210fs)

Gene: GPC3 (glypican 3; minus strand). Cytogenetic location: Xq26.2.
Variant type: Indel.
Coding change: c.629_654delinsCTTGCA on transcript NM_004484.4 (MANE Select); coding-DNA positions 629 to 654, ATTTCCCCAAGCTTATTATGACCCAG replaced by CTTGCA.
Protein change: p.Asn210fs; shifts the reading frame from asparagine 210.
Molecular consequence: frameshift variant.
Genome position (GRCh38, 1-based): chrX:133,753,860-133,753,885, CTGGGTCATAATAAGCTTGGGGAAAT replaced by TGCAAG on the plus strand (ATTTCCCCAAGCTTATTATGACCCAG replaced by CTTGCA on the coding strand, the reverse complement: GPC3 is on the minus strand). VCF-style: chrX-133753860-CTGGGTCATAATAAGCTTGGGGAAAT-TGCAAG. GRCh37 (hg19) VCF-style: chrX-132887887-CTGGGTCATAATAAGCTTGGGGAAAT-TGCAAG.
Other names: c.629_654delinsCTTGCA, p.Asn210fs (NM_001164617.2); c.581_606delinsCTTGCA, p.Asn194fs (NM_001164618.2); c.467_492delinsCTTGCA, p.Asn156fs (NM_001164619.2); short protein forms N194fs, N210fs, N156fs.
Identifiers: ClinVar variation 476661 (VCV000476661.5), dbSNP rs1556297749, ClinGen allele CA658659042.